The following is an entry in ClinVar:

ClinVar aggregate classification (germline): Uncertain significance. Review status: criteria provided, multiple submitters, no conflicts (2 of 4 stars). 2 submissions from 2 submitters: Uncertain significance (2). Last evaluated 2023-11-02.

Conditions:
Arrhythmogenic right ventricular cardiomyopathy (ARVD). Also called: Cardiomyopathy, ARVC; Arrhythmogenic cardiomyopathy; Arrhythmogenic Right Ventricular Cardiomyopathy (ARVC); Arrhythmogenic right ventricular dysplasia. Identifiers: Orphanet 247, MedGen C0349788, MeSH D019571, MONDO:0016587. Disease mechanism: loss of function. Inheritance: Various modes of inheritance.
Arrhythmogenic right ventricular dysplasia 10. Also called: ARRHYTHMOGENIC RIGHT VENTRICULAR DYSPLASIA, FAMILIAL, 10; Arrhythmogenic Right Ventricular Dysplasia/Cardiomyopathy10; Arrhythmogenic right ventricular dysplasia/cardiomyopathy, type 10. Identifiers: MedGen C1857777, MONDO:0012434, OMIM 610193.

Allele frequency attached by ClinVar (database versions not stated): TOPMed below 0.00001.

Submissions (2):

All of Us Research Program, National Institutes of Health
Classification: Uncertain significance for Arrhythmogenic right ventricular cardiomyopathy. Last evaluated: 2023-11-02. Review status: criteria provided, single submitter. Criteria: ACMG Guidelines, 2015. Collection method: clinical testing. Allele origin: germline. Inheritance: Autosomal dominant inheritance. Observed: 1 variant allele, 1 heterozygote.
Comment: This missense variant replaces lysine with glutamic acid at codon 378 of the DSG2 protein. Computational prediction suggests that this variant may not impact protein structure and function (internally defined REVEL score threshold <= 0.5, PMID: 27666373). To our knowledge, functional studies have not been reported for this variant. This variant has not been reported in individuals affected with DSG2-related disorders in the literature. This variant has not been identified in the general population by the Genome Aggregation Database (gnomAD). The available evidence is insufficient to determine the role of this variant in disease conclusively. Therefore, this variant is classified as a Variant of Uncertain Significance.

This study involves interpretation of variants in research participants for the purpose of population health screening. Participant phenotype was not available at the time of variant classification. Additional details can be found in publication PMID: 35346344, PMCID: PMC8962531

Labcorp Genetics (formerly Invitae), Labcorp
Classification: Uncertain significance for Arrhythmogenic right ventricular dysplasia 10. Last evaluated: 2022-02-24. Review status: criteria provided, single submitter. Criteria: Invitae Variant Classification Sherloc (09022015). Collection method: clinical testing. Allele origin: germline.
Comment: In summary, the available evidence is currently insufficient to determine the role of this variant in disease. Therefore, it has been classified as a Variant of Uncertain Significance. Algorithms developed to predict the effect of missense changes on protein structure and function are either unavailable or do not agree on the potential impact of this missense change (SIFT: "Tolerated"; PolyPhen-2: "Possibly Damaging"; Align-GVGD: "Class C0"). This variant has not been reported in the literature in individuals affected with DSG2-related conditions. This variant is not present in population databases (gnomAD no frequency). This sequence change replaces lysine, which is basic and polar, with glutamic acid, which is acidic and polar, at codon 378 of the DSG2 protein (p.Lys378Glu).

NM_001943.5(DSG2):c.1132A>G (p.Lys378Glu)

Gene: DSG2 (desmoglein 2; plus strand). Cytogenetic location: 18q12.1.
Variant type: single nucleotide variant.
Coding change: c.1132A>G on transcript NM_001943.5 (MANE Select); coding-DNA position 1132, A replaced by G.
Protein change: p.Lys378Glu; replaces lysine 378 with glutamic acid.
Molecular consequence: missense variant.
Genome position (GRCh38, 1-based): chr18:31,531,104, A>G. VCF-style: chr18-31531104-A-G. GRCh37 (hg19) VCF-style: chr18-29111067-A-G.
Other names: short protein forms K378E.
Identifiers: ClinVar variation 1955814 (VCV001955814.6), dbSNP rs2073195294, ClinGen allele CA402138719.